The following is an entry in ClinVar:

NM_001267550.2(TTN):c.49008G>A (p.Val16336=)

Genes: TTN (titin; minus strand), TTN-AS1 (TTN antisense RNA 1; plus strand), LOC126806426 (BRD4-independent group 4 enhancer GRCh37_chr2:179478848-179480047; plus strand). Cytogenetic location: 2q31.2.
Variant type: single nucleotide variant.
Coding change: c.49008G>A on transcript NM_001267550.2 (MANE Select); coding-DNA position 49008, G replaced by A.
Protein change: p.Val16336=; no amino-acid change (valine 16336 retained).
Molecular consequence: synonymous variant. On other transcripts: non-coding transcript variant (1).
Genome position (GRCh38, 1-based): chr2:178,614,506, C>T on the plus strand (G>A on the coding strand, the complement: TTN is on the minus strand). VCF-style: chr2-178614506-C-T. GRCh37 (hg19) VCF-style: chr2-179479233-C-T.
Other names: c.41304G>A, p.Val13768= (NM_133378.4); c.44085G>A, p.Val14695= (NM_001256850.1); c.21813G>A, p.Val7271= (NM_003319.4); c.22188G>A, p.Val7396= (NM_133432.3); c.22389G>A, p.Val7463= (NM_133437.4).
Identifiers: ClinVar variation 228101 (VCV000228101.20), dbSNP rs781078888, ClinGen allele CA1994709.

ClinVar aggregate classification (germline): Likely benign. Review status: criteria provided, multiple submitters, no conflicts (2 of 4 stars). 5 submissions from 5 submitters: Likely benign (4). 1 of the submissions does not count toward it. Last evaluated 2026-01-12.

Conditions:
Autosomal recessive limb-girdle muscular dystrophy type 2J (LGMDR10). Also called: MUSCULAR DYSTROPHY, LIMB-GIRDLE, AUTOSOMAL RECESSIVE 10; Limb-girdle muscular dystrophy, type 2J. Identifiers: Orphanet 140922, MedGen C1837342, MONDO:0012127, OMIM 608807.
Dilated cardiomyopathy 1G (CMD1G). Identifiers: Orphanet 154, MedGen C1858763, MONDO:0011400, OMIM 604145.
TTN-related disorder. Also called: TTN-related condition; TTN-related disease; TTN-related disorders.
Cardiovascular phenotype. Identifiers: MedGen CN230736.
Tibial muscular dystrophy (TMD). Also called: Udd Distal Myopathy – Tibial Muscular Dystrophy; UDD MYOPATHY; Tibial muscular dystrophy, tardive. Identifiers: Orphanet 609, MedGen C1838244, MONDO:0010870, OMIM 600334.
Early-onset myopathy with fatal cardiomyopathy (CMYO5). Also called: CONGENITAL MYOPATHY 5 WITH CARDIOMYOPATHY; Salih Myopathy. Identifiers: Orphanet 289377, MedGen C2673677, MONDO:0012714, OMIM 611705. Disease mechanism: loss of function.
Myopathy, myofibrillar, 9, with early respiratory failure (MFM9). Also called: EDSTROM MYOPATHY; MYOPATHY, PROXIMAL, WITH EARLY RESPIRATORY MUSCLE INVOLVEMENT; Hereditary myopathy with early respiratory failure; Myopathy, distal, with early respiratory failure, autosomal dominant. Identifiers: Orphanet 178464, Orphanet 34521, MedGen C1863599, MONDO:0011362, OMIM 603689.
Hypertrophic cardiomyopathy 9. Also called: Familial hypertrophic cardiomyopathy 9. Identifiers: MedGen C1861065, MONDO:0013412, OMIM 613765.

Allele frequency attached by ClinVar (database versions not stated): TOPMed 0.00002; gnomAD 0.00003 and 0.00004; gnomAD exomes 0.00004; ExAC 0.00005.
gnomAD v4.1: 57 of 1,611,344 alleles (0.0035%); highest among the groups gnomAD compares: Middle Eastern, 0.017%; no homozygotes.

Submissions (5):

Labcorp Genetics (formerly Invitae), Labcorp
Classification: Likely benign for Dilated cardiomyopathy 1G; Autosomal recessive limb-girdle muscular dystrophy type 2J. Last evaluated: 2026-01-12. Review status: criteria provided, single submitter. Criteria: Invitae Variant Classification Sherloc (09022015). Collection method: clinical testing. Allele origin: germline.

Fulgent Genetics
Classification: Likely benign for Tibial muscular dystrophy; Myopathy, myofibrillar, 9, with early respiratory failure; Dilated cardiomyopathy 1G; Autosomal recessive limb-girdle muscular dystrophy type 2J; Early-onset myopathy with fatal cardiomyopathy; Hypertrophic cardiomyopathy 9. Last evaluated: 2021-08-17. Review status: criteria provided, single submitter. Criteria: ACMG Guidelines, 2015. Collection method: clinical testing. Allele origin: unknown.

Ambry Genetics
Classification: Likely benign for Cardiovascular phenotype. Last evaluated: 2020-03-24. Review status: criteria provided, single submitter. Criteria: Ambry Variant Classification Scheme 2023. Collection method: clinical testing. Allele origin: germline.

Laboratory for Molecular Medicine, Mass General Brigham Personalized Medicine
Classification: Likely benign. Last evaluated: 2015-05-29. Review status: criteria provided, single submitter. Criteria: LMM Criteria. Collection method: clinical testing. Allele origin: germline. Observed: 1 variant allele.
Comment: p.Val13768Val in exon 210 of TTN: This variant is not expected to have clinical significance because it does not alter an amino acid residue and is not located within the splice consensus sequence. It has been identified in 6/66286 European chromosomes by the Exome Aggregation Consortium (ExAC).

PreventionGenetics, part of Exact Sciences
Classification: Likely benign for TTN-related condition. Last evaluated: 2024-06-26. Review status: no assertion criteria provided. Collection method: clinical testing. Allele origin: germline. Not counted in ClinVar's aggregate classification.
Comment: This variant is classified as likely benign based on ACMG/AMP sequence variant interpretation guidelines (Richards et al. 2015 PMID: 25741868, with internal and published modifications).